The following is an entry in ClinVar:

ClinVar aggregate classification (germline): Uncertain significance (1 of 4 stars; one submission).

Conditions:
Hypodontia. Also called: Partial congenital absence of teeth; TOOTH AGENESIS, FAMILIAL; Tooth agenesis, selective. Identifiers: Orphanet 99798, MedGen C0020608, MONDO:0005486, HP:0000668. Disease mechanism: loss of function.

Submission:

Labcorp Genetics (formerly Invitae), Labcorp
Classification: Uncertain significance for Hypodontia. Last evaluated: 2025-06-10. Review status: criteria provided, single submitter. Criteria: Invitae Variant Classification Sherloc (09022015). Collection method: clinical testing. Allele origin: germline.
Comment: This sequence change replaces leucine, which is neutral and non-polar, with valine, which is neutral and non-polar, at codon 35 of the PAX9 protein (p.Leu35Val). This variant is not present in population databases (gnomAD no frequency). This variant has not been reported in the literature in individuals affected with PAX9-related conditions. Invitae Evidence Modeling of protein sequence and biophysical properties (such as structural, functional, and spatial information, amino acid conservation, physicochemical variation, residue mobility, and thermodynamic stability) indicates that this missense variant is not expected to disrupt PAX9 protein function with a negative predictive value of 80%. In summary, the available evidence is currently insufficient to determine the role of this variant in disease. Therefore, it has been classified as a Variant of Uncertain Significance.

NM_001372076.1(PAX9):c.103C>G (p.Leu35Val)

Gene: PAX9 (paired box 9; plus strand). Cytogenetic location: 14q13.3.
Variant type: single nucleotide variant.
Coding change: c.103C>G on transcript NM_001372076.1 (MANE Select); coding-DNA position 103, C replaced by G.
Protein change: p.Leu35Val; replaces leucine 35 with valine.
Molecular consequence: missense variant.
Genome position (GRCh38, 1-based): chr14:36,662,995, C>G. VCF-style: chr14-36662995-C-G. GRCh37 (hg19) VCF-style: chr14-37132200-C-G.
Other names: c.103C>G, p.Leu35Val (NM_006194.4); short protein forms L35V.
Identifiers: ClinVar variation 4742788 (VCV004742788.1).